The following is an entry in ClinVar:

NM_032119.4(ADGRV1):c.17581C>T (p.Gln5861Ter)

Gene: ADGRV1 (adhesion G protein-coupled receptor V1; plus strand). Cytogenetic location: 5q14.3.
Variant type: single nucleotide variant.
Coding change: c.17581C>T on transcript NM_032119.4 (MANE Select); coding-DNA position 17581, C replaced by T.
Protein change: p.Gln5861Ter; replaces glutamine 5861 with a stop codon.
Molecular consequence: nonsense. On other transcripts: non-coding transcript variant (1).
Genome position (GRCh38, 1-based): chr5:90,854,188, C>T. VCF-style: chr5-90854188-C-T. GRCh37 (hg19) VCF-style: chr5-90150005-C-T.
Other names: short protein forms Q5861*.
Identifiers: ClinVar variation 4716509 (VCV004716509.1).

ClinVar aggregate classification (germline): Pathogenic (1 of 4 stars; one submission).

Submission:

Labcorp Genetics (formerly Invitae), Labcorp
Classification: Pathogenic. Last evaluated: 2025-07-14. Review status: criteria provided, single submitter. Criteria: Invitae Variant Classification Sherloc (09022015). Collection method: clinical testing. Allele origin: germline.
Comment: This sequence change creates a premature translational stop signal (p.Gln5861*) in the ADGRV1 gene. It is expected to result in an absent or disrupted protein product. Loss-of-function variants in ADGRV1 are known to be pathogenic (PMID: 19357117, 22135276, 22147658, 26226137, 30718709, 31047384, 32467589). This variant is not present in population databases (gnomAD no frequency). This variant has not been reported in the literature in individuals affected with ADGRV1-related conditions. Algorithms developed to predict the effect of sequence changes on RNA splicing suggest that this variant may disrupt the consensus splice site. For these reasons, this variant has been classified as Pathogenic.

Literature cited by the submitters: PubMed 19357117; PubMed 22135276; PubMed 22147658; PubMed 26226137; PubMed 30718709; PubMed 31047384; PubMed 32467589.